The following is an entry in ClinVar:

ClinVar aggregate classification (germline): Uncertain significance (1 of 4 stars; one submission).

Conditions:
Short-rib thoracic dysplasia 8 with or without polydactyly (SRTD8). Also called: SHORT-RIB THORACIC DYSPLASIA 8 WITH POLYDACTYLY. Identifiers: Orphanet 93271, MedGen C3809691, MONDO:0014214, OMIM 615503.

Allele frequency attached by ClinVar (database versions not stated): gnomAD exomes below 0.00001; gnomAD 0.00001.
gnomAD v4.1: 2 of 1,613,890 alleles (0.00012%); highest among the groups gnomAD compares: African/African-American, 0.0027%; no homozygotes.

Submission:

Labcorp Genetics (formerly Invitae), Labcorp
Classification: Uncertain significance for Short-rib thoracic dysplasia 8 with or without polydactyly. Last evaluated: 2024-02-12. Review status: criteria provided, single submitter. Criteria: Invitae Variant Classification Sherloc (09022015). Collection method: clinical testing. Allele origin: germline.
Comment: This sequence change replaces lysine, which is basic and polar, with threonine, which is neutral and polar, at codon 675 of the WDR60 protein (p.Lys675Thr). This variant is present in population databases (no rsID available, gnomAD 0.008%). This variant has not been reported in the literature in individuals affected with WDR60-related conditions. ClinVar contains an entry for this variant (Variation ID: 2000015). An algorithm developed to predict the effect of missense changes on protein structure and function (PolyPhen-2) suggests that this variant is likely to be tolerated. In summary, the available evidence is currently insufficient to determine the role of this variant in disease. Therefore, it has been classified as a Variant of Uncertain Significance.

NM_018051.5(DYNC2I1):c.2024A>C (p.Lys675Thr)

Gene: DYNC2I1 (dynein 2 intermediate chain 1; plus strand). Cytogenetic location: 7q36.3.
Variant type: single nucleotide variant.
Coding change: c.2024A>C on transcript NM_018051.5 (MANE Select); coding-DNA position 2024, A replaced by C.
Protein change: p.Lys675Thr; replaces lysine 675 with threonine.
Molecular consequence: missense variant.
Genome position (GRCh38, 1-based): chr7:158,922,479, A>C. VCF-style: chr7-158922479-A-C. GRCh37 (hg19) VCF-style: chr7-158715170-A-C.
Other names: c.1886A>C, p.Lys629Thr (NM_001350914.2); c.1451A>C, p.Lys484Thr (NM_001350915.2); c.563A>C, p.Lys188Thr (NM_001350916.2); c.776A>C, p.Lys259Thr (NM_001350917.2, NM_001350918.2); short protein forms K629T, K188T, K259T, K675T, K484T.
Identifiers: ClinVar variation 2000015 (VCV002000015.4), dbSNP rs1425163953, ClinGen allele CA370194691.